The following is an entry in ClinVar:

ClinVar aggregate classification (germline): Pathogenic. Review status: criteria provided, single submitter (1 of 4 stars). 2 submissions from 1 submitter: Pathogenic (1). 1 of the submissions does not count toward it. Last evaluated 2022-03-03.

Conditions:
Wiskott-Aldrich syndrome (WAS). Also called: ALDRICH SYNDROME; IMMUNODEFICIENCY 2; WISKOTT-ALDRICH SYNDROME 1; Wiskott-aldrich syndrome, somatic. Identifiers: Orphanet 906, MedGen C0043194, MONDO:0010518, OMIM 301000.
Thrombocytopenia 1. Also called: X-Linked Thrombocytopenia (XLT); THROMBOCYTOPENIA, X-LINKED, 1; X-linked thrombocytopenia with normal platelets. Identifiers: Orphanet 268322, Orphanet 852, MedGen C1839163, MONDO:0010743, OMIM 313900.
X-linked severe congenital neutropenia (SCNX). Identifiers: Orphanet 86788, MedGen C1845987, MONDO:0010294, OMIM 300299.

Submissions (2):

Labcorp Genetics (formerly Invitae), Labcorp
Classification: Pathogenic. Last evaluated: 2022-03-03. Review status: criteria provided, single submitter. Criteria: Invitae Variant Classification Sherloc (09022015). Collection method: clinical testing. Allele origin: germline.
Comment: A gross deletion of the genomic region encompassing the full coding sequence of the CFP gene has been identified. Loss-of-function variants in CFP are known to be pathogenic (PMID: 8530058, 9476131, 10698340, 10909851, 19328743, 22229731). The boundaries of this event are unknown as they extend beyond the assayed region for this gene and therefore may encompass additional genes. This variant has not been reported in the literature in individuals affected with CFP-related conditions. For these reasons, this variant has been classified as Pathogenic.

Labcorp Genetics (formerly Invitae), Labcorp
Classification: Pathogenic for Wiskott-Aldrich syndrome; X-linked severe congenital neutropenia; Thrombocytopenia 1. Last evaluated: 2022-03-03. Review status: flagged submission. Criteria: Invitae Variant Classification Sherloc (09022015). Collection method: clinical testing. Allele origin: germline. Not counted in ClinVar's aggregate classification.
Comment: A gross deletion of the genomic region encompassing the full coding sequence of the WAS gene has been identified. Loss-of-function variants in WAS are known to be pathogenic (PMID: 15284122). The boundaries of this event are unknown as they extend beyond the assayed region for this gene and therefore may encompass additional genes. A similar copy number variant has been observed in individual(s) with Wiskott-Aldrich syndrome (PMID: 12969986, 28901403). For these reasons, this variant has been classified as Pathogenic.
ClinVar note: Reason: This record appears to be redundant with a more recent record from the same submitter.
ClinVar note: Notes: SCV003793134 appears to be redundant with SCV003791165.

Literature cited by the submitters: PubMed 8530058; PubMed 9476131; PubMed 10698340; PubMed 10909851; PubMed 19328743; PubMed 22229731; PubMed 15284122; PubMed 12969986; PubMed 28901403.

NC_000023.10:g.(?_46618120)_(48549553_?)del

Genes: LINC01560 (long intergenic non-protein coding RNA 1560; plus strand), NDUFB11 (NADH:ubiquinone oxidoreductase subunit B11; minus strand), SSX4 (SSX family member 4; plus strand), SSX4B (SSX family member 4B; minus strand), SSX5 (SSX family member 5; minus strand) and 32 more. Cytogenetic location: Xp11.23.
Variant type: Deletion.
Identifiers: ClinVar variation 2422978 (VCV002422978.4).